The following is an entry in ClinVar:

ClinVar aggregate classification (germline): Likely benign. Review status: criteria provided, multiple submitters, no conflicts (2 of 4 stars). 3 submissions from 3 submitters: Likely benign (3). Last evaluated 2025-10-02.

Allele frequency attached by ClinVar (database versions not stated): ExAC 0.00002; gnomAD 0.00002; gnomAD exomes 0.00002; TOPMed 0.00003.
gnomAD v4.1: 51 of 1,613,988 alleles (0.0032%); highest among the groups gnomAD compares: Non-Finnish European, 0.0036%; no homozygotes.

Submissions (3):

Labcorp Genetics (formerly Invitae), Labcorp
Classification: Likely benign. Last evaluated: 2025-10-02. Review status: criteria provided, single submitter. Criteria: Invitae Variant Classification Sherloc (09022015). Collection method: clinical testing. Allele origin: germline.

Blueprint Genetics
Classification: Likely benign. Last evaluated: 2024-07-15. Review status: criteria provided, single submitter. Criteria: ACMG Guidelines, 2015. Collection method: clinical testing. Allele origin: germline.

CeGaT Center for Human Genetics Tuebingen
Classification: Likely benign. Last evaluated: 2022-05-01. Review status: criteria provided, single submitter. Criteria: CeGaT Center For Human Genetics Tuebingen Variant Classification Criteria Version 2. Collection method: clinical testing. Allele origin: germline. Affected: yes. Observed: 1 variant allele.
Comment: NDUFS1: BP4, BP7

NM_005006.7(NDUFS1):c.2028C>T (p.Asn676=)

Gene: NDUFS1 (NADH:ubiquinone oxidoreductase core subunit S1; minus strand). Cytogenetic location: 2q33.3.
Variant type: single nucleotide variant.
Coding change: c.2028C>T on transcript NM_005006.7 (MANE Select); coding-DNA position 2028, C replaced by T.
Protein change: p.Asn676=; no amino-acid change (asparagine 676 retained).
Molecular consequence: synonymous variant.
Genome position (GRCh38, 1-based): chr2:206,126,603, G>A on the plus strand (C>T on the coding strand, the complement: NDUFS1 is on the minus strand). VCF-style: chr2-206126603-G-A. GRCh37 (hg19) VCF-style: chr2-206991327-G-A.
Other names: c.1920C>T, p.Asn640= (NM_001199981.2); c.1695C>T, p.Asn565= (NM_001199982.2); c.1857C>T, p.Asn619= (NM_001199983.2); c.2070C>T, p.Asn690= (NM_001199984.2).
Identifiers: ClinVar variation 1622468 (VCV001622468.33), dbSNP rs768984620, ClinGen allele CA2070288.